The following is an entry in ClinVar:

ClinVar aggregate classification (germline): Uncertain significance (1 of 4 stars; one submission).

Submission:

CeGaT Center for Human Genetics Tuebingen
Classification: Uncertain significance. Last evaluated: 2026-05-01. Review status: criteria provided, single submitter. Criteria: CeGaT Center For Human Genetics Tuebingen Variant Classification Criteria Version 2. Collection method: clinical testing. Allele origin: germline. Affected: yes. Observed: 1 variant allele.
Comment: MCM3AP: PM2, BP4

NM_003906.5(MCM3AP):c.5081C>G (p.Ser1694Cys)

Genes: MCM3AP-AS1 (MCM3AP antisense RNA 1; plus strand), MCM3AP (minichromosome maintenance complex component 3 associated protein; minus strand). Cytogenetic location: 21q22.3.
Variant type: single nucleotide variant.
Coding change: c.5081C>G on transcript NM_003906.5 (MANE Select); coding-DNA position 5081, C replaced by G.
Protein change: p.Ser1694Cys; replaces serine 1694 with cysteine.
Molecular consequence: missense variant.
Genome position (GRCh38, 1-based): chr21:46,243,680, G>C on the plus strand (C>G on the coding strand, the complement: MCM3AP is on the minus strand). VCF-style: chr21-46243680-G-C. GRCh37 (hg19) VCF-style: chr21-47663594-G-C.
Other names: short protein forms S1694C.
Identifiers: ClinVar variation 4873093 (VCV004873093.2).